The following is an entry in ClinVar:

NM_001042492.3(NF1):c.404G>A (p.Arg135Gln)

Gene: NF1 (neurofibromin 1; plus strand). Cytogenetic location: 17q11.2.
Variant type: single nucleotide variant.
Coding change: c.404G>A on transcript NM_001042492.3 (MANE Select); coding-DNA position 404, G replaced by A.
Protein change: p.Arg135Gln; replaces arginine 135 with glutamine.
Molecular consequence: missense variant.
Genome position (GRCh38, 1-based): chr17:31,163,301, G>A. VCF-style: chr17-31163301-G-A. GRCh37 (hg19) VCF-style: chr17-29490319-G-A.
Other names: c.404G>A, p.Arg135Gln (NM_000267.4, NM_001128147.3); short protein forms R135Q.
Identifiers: ClinVar variation 404419 (VCV000404419.18), dbSNP rs1060500244, ClinGen allele CA16615142.
Genomic context (GRCh38, chr17:31,163,301, plus strand): 5'-CAGAAATCTGCCATTTTCTTCACACCTGTCGTGAAGGAAACCAGCATGCAGCTGAACTTC[G>A]GAATTCTGCCTCTGGGGTTTTATTTTCTCTCAGCTGCAACAACTTCAATGCAGTCTTTAG-3'
Protein context (NP_001035957.1, residues 125-145): REGNQHAAEL[Arg135Gln]NSASGVLFSL

ClinVar aggregate classification (germline): Conflicting classifications of pathogenicity. Review status: criteria provided, conflicting classifications (1 of 4 stars). 6 submissions from 6 submitters: Uncertain significance (5); Likely benign (1). Last evaluated 2025-11-05.

Conditions:
Hereditary cancer-predisposing syndrome. Also called: Tumor predisposition; Neoplastic Syndromes, Hereditary; Hereditary Cancer Syndrome; Hereditary neoplastic syndrome. Identifiers: Orphanet 140162, MedGen C0027672, MeSH D009386, MONDO:0015356.
Cardiovascular phenotype. Identifiers: MedGen CN230736.
Neurofibromatosis, type 1 (NF1). Also called: Neurofibromatosis, type I; NEUROFIBROMATOSIS, TYPE I, SOMATIC; Peripheral type neurofibromatosis; VON RECKLINGHAUSEN DISEASE. Identifiers: Orphanet 636, MedGen C0027831, MONDO:0018975, OMIM 162200. Disease mechanism: loss of function.

Allele frequency attached by ClinVar (database versions not stated): gnomAD exomes below 0.00001; gnomAD 0.00001; TOPMed 0.00001.
gnomAD v4.1: 7 of 1,613,932 alleles (0.00043%); highest among the groups gnomAD compares: Admixed American, 0.0017%; no homozygotes.

Submissions (6):

Labcorp Genetics (formerly Invitae), Labcorp
Classification: Likely benign for Neurofibromatosis, type 1. Last evaluated: 2025-11-05. Review status: criteria provided, single submitter. Criteria: Invitae Variant Classification Sherloc (09022015). Collection method: clinical testing. Allele origin: germline.

Ambry Genetics
Classification: Uncertain significance for Cardiovascular phenotype; Hereditary cancer-predisposing syndrome. Last evaluated: 2025-08-31. Review status: criteria provided, single submitter. Criteria: Ambry Variant Classification Scheme 2023. Collection method: clinical testing. Allele origin: germline.
Comment: The p.R135Q variant (also known as c.404G>A), located in coding exon 4 of the NF1 gene, results from a G to A substitution at nucleotide position 404. The arginine at codon 135 is replaced by glutamine, an amino acid with highly similar properties. This amino acid position is highly conserved in available vertebrate species. In addition, the in silico prediction for this alteration is inconclusive. Since supporting evidence is limited at this time, the clinical significance of this alteration remains unclear.

Women's Health and Genetics/Laboratory Corporation of America, LabCorp
Classification: Uncertain significance. Last evaluated: 2025-05-13. Review status: criteria provided, single submitter. Criteria: LabCorp Variant Classification Summary - May 2015. Collection method: clinical testing. Allele origin: germline.
Comment: Variant summary: NF1 c.404G>A (p.Arg135Gln) results in a conservative amino acid change in the encoded protein sequence. Algorithms developed to predict the effect of missense changes on protein structure and function are either unavailable or do not agree on the potential impact of this missense change. The variant was absent in 251268 control chromosomes. The available data on variant occurrences in the general population are insufficient to allow any conclusion about variant significance. To our knowledge, no occurrence of c.404G>A in individuals affected with Neurofibromatosis Type 1 and no experimental evidence demonstrating its impact on protein function have been reported. ClinVar contains an entry for this variant (Variation ID: 404419). Based on the evidence outlined above, the variant was classified as uncertain significance.

Genome-Nilou Lab
Classification: Uncertain significance for Neurofibromatosis, type 1. Last evaluated: 2022-03-15. Review status: criteria provided, single submitter. Criteria: ACMG Guidelines, 2015. Collection method: clinical testing. Allele origin: germline. Affected: no.

GeneDx
Classification: Uncertain significance. Last evaluated: 2020-05-29. Review status: criteria provided, single submitter. Criteria: GeneDx Variant Classification Process June 2021. Collection method: clinical testing. Allele origin: germline. Affected: yes.
Comment: Not observed in large population cohorts (Lek 2016); In silico analysis supports that this missense variant does not alter protein structure/function; Has not been previously published as pathogenic or benign to our knowledge; This variant is associated with the following publications: (PMID: 28481359)

PreventionGenetics, part of Exact Sciences
Classification: Uncertain significance. Last evaluated: 2017-08-15. Review status: criteria provided, single submitter. Criteria: ACMG Guidelines, 2015. Collection method: clinical testing. Allele origin: germline.

Literature cited by the submitters: PubMed 10678181 (cited by Women's Health and Genetics/Laboratory Corporation of America, LabCorp); PubMed 23460398 (cited by Women's Health and Genetics/Laboratory Corporation of America, LabCorp); PubMed 29872168 (cited by Women's Health and Genetics/Laboratory Corporation of America, LabCorp).